The following is an entry in ClinVar:

NM_001329943.3(KIAA0586):c.2228A>G (p.His743Arg)

Gene: KIAA0586 (KIAA0586; plus strand). Cytogenetic location: 14q23.1.
Variant type: single nucleotide variant.
Coding change: c.2228A>G on transcript NM_001329943.3 (MANE Select); coding-DNA position 2228, A replaced by G.
Protein change: p.His743Arg; replaces histidine 743 with arginine.
Molecular consequence: missense variant.
Genome position (GRCh38, 1-based): chr14:58,466,003, A>G. VCF-style: chr14-58466003-A-G. GRCh37 (hg19) VCF-style: chr14-58932721-A-G.
Other names: c.2387A>G, p.His796Arg (NM_001244189.2); c.2183A>G, p.His728Arg (NM_001244190.2); c.1973A>G, p.His658Arg (NM_001244191.2, NM_001329945.2, NM_001364700.1 and 1 more transcripts); c.2096A>G, p.His699Arg (NM_001244192.2); c.1808A>G, p.His603Arg (NM_001244193.2); c.2228A>G, p.His743Arg (NM_001329944.2, NM_001329946.2, NM_001329947.2); c.2000A>G, p.His667Arg (NM_014749.5); short protein forms H603R, H658R, H667R, H699R, H728R, H743R, H796R.
Identifiers: ClinVar variation 1329796 (VCV001329796.2), dbSNP rs1190897774, ClinGen allele CA389874342.

ClinVar aggregate classification (germline): Uncertain significance (1 of 4 stars; one submission).

Allele frequency attached by ClinVar (database versions not stated): gnomAD 0.00001; 1000 Genomes Project 30x 0.00016.
gnomAD v4.1: 1 of 1,609,214 alleles (0.000062%); highest among the groups gnomAD compares: African/African-American, 0.0013%; no homozygotes.

Submission:

GeneDx
Classification: Uncertain significance. Last evaluated: 2021-06-22. Review status: criteria provided, single submitter. Criteria: GeneDx Variant Classification Process June 2021. Collection method: clinical testing. Allele origin: germline. Affected: yes.
Comment: Not observed at significant frequency in large population cohorts (Lek et al., 2016); In silico analysis supports that this missense variant has a deleterious effect on protein structure/function; Has not been previously published as pathogenic or benign to our knowledge; This variant is associated with the following publications: (PMID: 27535533)